The following is an entry in ClinVar:

ClinVar aggregate classification (germline): Likely pathogenic (1 of 4 stars; one submission).

Conditions:
Glutaric aciduria, type 1. Also called: Glutaric Acidemia Type 1; GA I; Glutaryl-CoA dehydrogenase deficiency; Glutaric acidemia type I; Glutaricaciduria, type I; Glutaricacidemia Type 1. Identifiers: Orphanet 25, MedGen C0268595, MONDO:0009281, OMIM 231670.

Submission:

Labcorp Genetics (formerly Invitae), Labcorp
Classification: Likely pathogenic for Glutaric aciduria, type 1. Last evaluated: 2023-05-30. Review status: criteria provided, single submitter. Criteria: Invitae Variant Classification Sherloc (09022015). Collection method: clinical testing. Allele origin: germline.
Comment: In summary, the currently available evidence indicates that the variant is pathogenic, but additional data are needed to prove that conclusively. Therefore, this variant has been classified as Likely Pathogenic. This variant disrupts the p.Gly425 amino acid residue in GCDH. Other variant(s) that disrupt this residue have been observed in individuals with GCDH-related conditions (Invitae), which suggests that this may be a clinically significant amino acid residue. Advanced modeling of protein sequence and biophysical properties (such as structural, functional, and spatial information, amino acid conservation, physicochemical variation, residue mobility, and thermodynamic stability) performed at Invitae indicates that this missense variant is expected to disrupt GCDH protein function. This missense change has been observed in individual(s) with clinical features of glutaric acidemia (PMID: 18683078). This variant is not present in population databases (gnomAD no frequency). This sequence change replaces glycine, which is neutral and non-polar, with valine, which is neutral and non-polar, at codon 425 of the GCDH protein (p.Gly425Val).

Literature cited by the submitters: PubMed 18683078.

NM_000159.4(GCDH):c.1274G>T (p.Gly425Val)

Genes: GCDH (glutaryl-CoA dehydrogenase; plus strand), SYCE2 (synaptonemal complex central element protein 2; minus strand), LOC126862860 (BRD4-independent group 4 enhancer GRCh37_chr19:13010146-13011345; plus strand). Cytogenetic location: 19p13.13.
Variant type: single nucleotide variant.
Coding change: c.1274G>T on transcript NM_000159.4 (MANE Select); coding-DNA position 1274, G replaced by T.
Protein change: p.Gly425Val; replaces glycine 425 with valine.
Molecular consequence: missense variant. On other transcripts: non-coding transcript variant (2), intron variant (2).
Genome position (GRCh38, 1-based): chr19:12,899,498, G>T. VCF-style: chr19-12899498-G-T. GRCh37 (hg19) VCF-style: chr19-13010312-G-T.
Other names: c.1244-202G>T (NM_013976.5); c.613-113C>A (NM_001105578.2); short protein forms G425V.
Identifiers: ClinVar variation 2736826 (VCV002736826.3), dbSNP rs2145959018, ClinGen allele CA404322173.